The following is an entry in ClinVar:

ClinVar aggregate classification (germline): Uncertain significance. Review status: criteria provided, multiple submitters, no conflicts (2 of 4 stars). 3 submissions from 3 submitters: Uncertain significance (3). Last evaluated 2023-12-27.

Conditions:
Charcot-Marie-Tooth disease, type I (CMT1). Also called: Charcot-Marie-Tooth disease type 1; Charcot-Marie-Tooth, Type 1. Identifiers: Orphanet 65753, MedGen C0751036, MONDO:0019011.
Charcot-Marie-Tooth disease. Also called: Charcot-Marie-Tooth Hereditary Neuropathy; Charcot-Marie-Tooth Neuropathy. Identifiers: Orphanet 166, MedGen C0007959, MONDO:0015626.

gnomAD v4.1: 1 of 1,614,058 alleles (0.000062%); highest among the groups gnomAD compares: Non-Finnish European, 0.000085%; no homozygotes.

Submissions (3):

Labcorp Genetics (formerly Invitae), Labcorp
Classification: Uncertain significance for Charcot-Marie-Tooth disease, type I. Last evaluated: 2023-12-27. Review status: criteria provided, single submitter. Criteria: Invitae Variant Classification Sherloc (09022015). Collection method: clinical testing. Allele origin: germline.
Comment: This sequence change falls in intron 1 of the MPZ gene. It does not directly change the encoded amino acid sequence of the MPZ protein. It affects a nucleotide within the consensus splice site. This variant is not present in population databases (gnomAD no frequency). This variant has been observed in individual(s) with Charcot-Marie-Tooth disease and/or clinical features of Charcot-Marie-Tooth disease (PMID: 32376792; Invitae). ClinVar contains an entry for this variant (Variation ID: 640280). Variants that disrupt the consensus splice site are a relatively common cause of aberrant splicing (PMID: 17576681, 9536098). Algorithms developed to predict the effect of sequence changes on RNA splicing suggest that this variant may disrupt the consensus splice site. In summary, the available evidence is currently insufficient to determine the role of this variant in disease. Therefore, it has been classified as a Variant of Uncertain Significance.

Athena Diagnostics
Classification: Uncertain significance. Last evaluated: 2023-02-16. Review status: criteria provided, single submitter. Criteria: Athena Diagnostics Criteria. Collection method: clinical testing. Allele origin: unknown.
Comment: Available data are insufficient to determine the clinical significance of the variant at this time. This variant has been identified in at least one individual with clinical features associated with Charcot-Marie-Tooth disease (CMT). This variant has not been reported in large, multi-ethnic general populations. Computational tools yielded predictions that this variant may interfere with normal RNA splicing.

Molecular Genetics Laboratory, London Health Sciences Centre
Classification: Uncertain significance for Charcot-Marie-Tooth disease. Review status: criteria provided, single submitter. Criteria: ACMG Guidelines, 2015. Collection method: clinical testing. Allele origin: germline. Affected: yes.

Literature cited by the submitters: PubMed 32376792 (cited by Labcorp Genetics (formerly Invitae), Labcorp and Athena Diagnostics); PubMed 17576681 (cited by Labcorp Genetics (formerly Invitae), Labcorp); PubMed 9536098 (cited by Labcorp Genetics (formerly Invitae), Labcorp).

NM_000530.8(MPZ):c.68-3C>A

Gene: MPZ (myelin protein zero; minus strand). Cytogenetic location: 1q23.3.
Variant type: single nucleotide variant.
Coding change: c.68-3C>A on transcript NM_000530.8 (MANE Select); 3 bases into the intron before coding-DNA position 68, C replaced by A.
Molecular consequence: intron variant.
Genome position (GRCh38, 1-based): chr1:161,307,427, G>T on the plus strand (C>A on the coding strand, the complement: MPZ is on the minus strand). VCF-style: chr1-161307427-G-T. GRCh37 (hg19) VCF-style: chr1-161277217-G-T.
Other names: c.68-3C>A (LRG_256t1, NM_001315491.2).
Identifiers: ClinVar variation 640280 (VCV000640280.12), dbSNP rs1182729605, ClinGen allele CA915943639.